The following is an entry in ClinVar:

NM_002691.4(POLD1):c.322G>A (p.Ala108Thr)

Gene: POLD1 (DNA polymerase delta 1, catalytic subunit; plus strand). Cytogenetic location: 19q13.33.
Variant type: single nucleotide variant.
Coding change: c.322G>A on transcript NM_002691.4 (MANE Select); coding-DNA position 322, G replaced by A.
Protein change: p.Ala108Thr; replaces alanine 108 with threonine.
Molecular consequence: missense variant. On other transcripts: non-coding transcript variant (1).
Genome position (GRCh38, 1-based): chr19:50,401,783, G>A. VCF-style: chr19-50401783-G-A. GRCh37 (hg19) VCF-style: chr19-50905040-G-A.
Other names: c.322G>A, p.Ala108Thr (NM_001256849.1, NM_001308632.1); short protein forms A108T.
Identifiers: ClinVar variation 2560437 (VCV002560437.2), dbSNP rs2122231887, ClinGen allele CA406972054.

ClinVar aggregate classification (germline): Uncertain significance (1 of 4 stars; one submission).

Conditions:
Hereditary cancer-predisposing syndrome. Also called: Neoplastic Syndromes, Hereditary; Hereditary Cancer Syndrome; Hereditary neoplastic syndrome; Tumor predisposition. Identifiers: Orphanet 140162, MedGen C0027672, MeSH D009386, MONDO:0015356.

Submission:

Ambry Genetics
Classification: Uncertain significance for Hereditary cancer-predisposing syndrome. Last evaluated: 2023-05-14. Review status: criteria provided, single submitter. Criteria: Ambry Variant Classification Scheme 2023. Collection method: clinical testing. Allele origin: germline.
Comment: The p.A108T variant (also known as c.322G>A), located in coding exon 3 of the POLD1 gene, results from a G to A substitution at nucleotide position 322. The alanine at codon 108 is replaced by threonine, an amino acid with similar properties. This amino acid position is conserved. In addition, this alteration is predicted to be tolerated by in silico analysis. Since supporting evidence is limited at this time, the clinical significance of this alteration remains unclear.